The following is an entry in ClinVar:

NM_000122.2(ERCC3):c.31A>G (p.Lys11Glu)

Gene: ERCC3 (ERCC excision repair 3, TFIIH core complex helicase subunit; minus strand). Cytogenetic location: 2q14.3.
Variant type: single nucleotide variant.
Coding change: c.31A>G on transcript NM_000122.2 (MANE Select); coding-DNA position 31, A replaced by G.
Protein change: p.Lys11Glu; replaces lysine 11 with glutamic acid.
Molecular consequence: missense variant. On other transcripts: 5 prime UTR variant (2).
Genome position (GRCh38, 1-based): chr2:127,293,716, T>C on the plus strand (A>G on the coding strand, the complement: ERCC3 is on the minus strand). VCF-style: chr2-127293716-T-C. GRCh37 (hg19) VCF-style: chr2-128051292-T-C.
Other names: c.-162A>G (NM_001303416.2, NM_001303418.2); short protein forms K11E.
Identifiers: ClinVar variation 1306275 (VCV001306275.2), dbSNP rs2104783457, ClinGen allele CA348392429.

ClinVar aggregate classification (germline): Uncertain significance (1 of 4 stars; one submission).

Submission:

GeneDx
Classification: Uncertain significance. Last evaluated: 2019-05-28. Review status: criteria provided, single submitter. Criteria: GeneDx Variant Classification Process June 2021. Collection method: clinical testing. Allele origin: germline. Affected: yes.
Comment: Not observed in large population cohorts (Lek et al., 2016); In silico analysis, which includes protein predictors and evolutionary conservation, supports that this variant does not alter protein structure/function; Has not been previously published as pathogenic or benign to our knowledge